The following is an entry in ClinVar:

NM_004304.5(ALK):c.4666C>T (p.Leu1556Phe)

Gene: ALK (ALK receptor tyrosine kinase; minus strand). Cytogenetic location: 2p23.2.
Variant type: single nucleotide variant.
Coding change: c.4666C>T on transcript NM_004304.5 (MANE Select); coding-DNA position 4666, C replaced by T.
Protein change: p.Leu1556Phe; replaces leucine 1556 with phenylalanine.
Molecular consequence: missense variant.
Genome position (GRCh38, 1-based): chr2:29,193,421, G>A on the plus strand (C>T on the coding strand, the complement: ALK is on the minus strand). VCF-style: chr2-29193421-G-A. GRCh37 (hg19) VCF-style: chr2-29416287-G-A.
Other names: c.1462C>T, p.Leu488Phe (NM_001353765.2); short protein forms L1556F, L488F.
Identifiers: ClinVar variation 1046892 (VCV001046892.9), dbSNP rs1214400523, ClinGen allele CA346460497.

ClinVar aggregate classification (germline): Uncertain significance (1 of 4 stars; one submission).

Conditions:
Neuroblastoma, susceptibility to, 3. Also called: ALK-Related Neuroblastic Tumor Susceptibility. Identifiers: Orphanet 635, MedGen C2751681, MONDO:0013083, OMIM 613014.

Allele frequency attached by ClinVar (database versions not stated): gnomAD exomes below 0.00001.
gnomAD v4.1: 1 of 1,614,226 alleles (0.000062%); highest among the groups gnomAD compares: Non-Finnish European, 0.000085%; no homozygotes.

Submission:

Labcorp Genetics (formerly Invitae), Labcorp
Classification: Uncertain significance for Neuroblastoma, susceptibility to, 3. Last evaluated: 2020-02-19. Review status: criteria provided, single submitter. Criteria: Invitae Variant Classification Sherloc (09022015). Collection method: clinical testing. Allele origin: germline.
Comment: In summary, the available evidence is currently insufficient to determine the role of this variant in disease. Therefore, it has been classified as a Variant of Uncertain Significance. Algorithms developed to predict the effect of missense changes on protein structure and function are either unavailable or do not agree on the potential impact of this missense change (SIFT: "Deleterious"; PolyPhen-2: "Probably Damaging"; Align-GVGD: "Class C15"). This variant has not been reported in the literature in individuals with ALK-related conditions. This variant is not present in population databases (ExAC no frequency). This sequence change replaces leucine with phenylalanine at codon 1556 of the ALK protein (p.Leu1556Phe). The leucine residue is highly conserved and there is a small physicochemical difference between leucine and phenylalanine.